The following is an entry in ClinVar:

NM_006947.4(SRP72):c.1669A>G (p.Lys557Glu)

Gene: SRP72 (signal recognition particle 72; plus strand). Cytogenetic location: 4q12.
Variant type: single nucleotide variant.
Coding change: c.1669A>G on transcript NM_006947.4 (MANE Select); coding-DNA position 1669, A replaced by G.
Protein change: p.Lys557Glu; replaces lysine 557 with glutamic acid.
Molecular consequence: missense variant. On other transcripts: non-coding transcript variant (1).
Genome position (GRCh38, 1-based): chr4:56,495,385, A>G. VCF-style: chr4-56495385-A-G. GRCh37 (hg19) VCF-style: chr4-57361551-A-G.
Other names: c.1486A>G, p.Lys496Glu (NM_001267722.2); short protein forms K496E, K557E.
Identifiers: ClinVar variation 4174909 (VCV004174909.1).
Genomic context (GRCh38, chr4:56,495,385, plus strand): 5'-AAGATGGTAATGATTTTTTTTTCTCTTTGTAGACAGGGAGATTTGAAAAAGAAGAAAAAG[A>G]AAAAGAAGGGTAAGGCATTAAAAAAGTCTTTATAAATTTTCTCCAAAATAAATGTTTGAT-3'
Protein context (NP_008878.3, residues 547-567): GQGDLKKKKK[Lys557Glu]KKGKLPKNYD

ClinVar aggregate classification (germline): Uncertain significance (1 of 4 stars; one submission).

gnomAD v4.1: 1 of 1,496,836 alleles (0.000067%); highest among the groups gnomAD compares: Non-Finnish European, 0.000092%; no homozygotes.

Submission:

Ambry Genetics
Classification: Uncertain significance. Last evaluated: 2025-06-26. Review status: criteria provided, single submitter. Criteria: Ambry Variant Classification Scheme 2023. Collection method: clinical testing. Allele origin: germline.
Comment: The p.K557E variant (also known as c.1669A>G), located in coding exon 17 of the SRP72 gene, results from an A to G substitution at nucleotide position 1669. The lysine at codon 557 is replaced by glutamic acid, an amino acid with similar properties. This amino acid position is conserved. In addition, the in silico prediction for this alteration is inconclusive. Based on the available evidence, the clinical significance of this variant remains unclear.